The following is an entry in ClinVar:

ClinVar aggregate classification (germline): Pathogenic. Review status: criteria provided, multiple submitters, no conflicts (2 of 4 stars). 3 submissions from 3 submitters: Pathogenic (2). 1 of the submissions does not count toward it. Last evaluated 2025-07-02.

Conditions:
Polycystic kidney disease 4 (PKD4). Also called: POLYCYSTIC KIDNEY AND HEPATIC DISEASE 1; POLYCYSTIC KIDNEY DISEASE, INFANTILE, TYPE I; POLYCYSTIC KIDNEY DISEASE 4 WITH OR WITHOUT POLYCYSTIC LIVER DISEASE; PKD3; Autosomal Recessive Polycystic Kidney Disease – PKHD1. Identifiers: MedGen C4540575, MONDO:0033004, OMIM 263200.
Autosomal recessive polycystic kidney disease (ARPKD). Also called: AR polycystic kidney disease. Identifiers: Orphanet 731, Orphanet 8378, MedGen C0085548, MeSH D017044, MONDO:0009889.

Allele frequency attached by ClinVar (database versions not stated): gnomAD exomes below 0.00001; TOPMed 0.00001.
gnomAD v4.1: 2 of 1,613,636 alleles (0.00012%); highest among the groups gnomAD compares: Non-Finnish European, 0.00017%; no homozygotes.

Submissions (3):

Natera, Inc.
Classification: Pathogenic for Autosomal recessive polycystic kidney disease. Last evaluated: 2025-07-02. Review status: criteria provided, single submitter. Criteria: Natera Variant Classification Schema (03/2026). Collection method: clinical testing. Allele origin: germline.
Comment: The c.10709C>G variant in PKHD1 is a nonsense variant predicted to introduce a stop codon at amino acid 3570. This variant is expected to result in nonsense mediated decay, truncation, or a dysfunctional protein product. This variant is rare in the general population with a frequency below the threshold expected for the associated phenotype(s). This variant has been observed in one or more individuals affected with the associated recessive disease, as either homozygous or compound heterozygous with a second variant (PMID: 33940108). Given the available evidence, this variant is classified as Pathogenic.

Labcorp Genetics (formerly Invitae), Labcorp
Classification: Pathogenic for Autosomal recessive polycystic kidney disease. Last evaluated: 2021-10-12. Review status: criteria provided, single submitter. Criteria: Invitae Variant Classification Sherloc (09022015). Collection method: clinical testing. Allele origin: germline.
Comment: This variant is also known as S3570X. This premature translational stop signal has been observed in individual(s) with polycystic kidney disease (PMID: 15698423). This variant is not present in population databases (ExAC no frequency). This sequence change creates a premature translational stop signal (p.Ser3570*) in the PKHD1 gene. It is expected to result in an absent or disrupted protein product. Loss-of-function variants in PKHD1 are known to be pathogenic (PMID: 19940839). ClinVar contains an entry for this variant (Variation ID: 370246). For these reasons, this variant has been classified as Pathogenic.

Counsyl
Classification: Likely pathogenic for Polycystic kidney disease 4. Last evaluated: 2015-12-28. Review status: no assertion criteria provided. Collection method: clinical testing. Allele origin: unknown. Not counted in ClinVar's aggregate classification.

Literature cited by the submitters: PubMed 33940108 (cited by Natera, Inc.); PubMed 15698423 (cited by Labcorp Genetics (formerly Invitae), Labcorp and Counsyl); PubMed 19940839 (cited by Labcorp Genetics (formerly Invitae), Labcorp); PubMed 25525159 (cited by Counsyl).

NM_138694.4(PKHD1):c.10709C>G (p.Ser3570Ter)

Gene: PKHD1 (PKHD1 ciliary IPT domain containing fibrocystin/polyductin; minus strand). Cytogenetic location: 6p12.3.
Variant type: single nucleotide variant.
Coding change: c.10709C>G on transcript NM_138694.4 (MANE Select); coding-DNA position 10709, C replaced by G.
Protein change: p.Ser3570Ter; replaces serine 3570 with a stop codon.
Molecular consequence: nonsense.
Genome position (GRCh38, 1-based): chr6:51,659,417, G>C on the plus strand (C>G on the coding strand, the complement: PKHD1 is on the minus strand). VCF-style: chr6-51659417-G-C. GRCh37 (hg19) VCF-style: chr6-51524215-G-C.
Other names: short protein forms S3570*.
Identifiers: ClinVar variation 370246 (VCV000370246.10), dbSNP rs1057516345, ClinGen allele CA16041025.